The following is an entry in ClinVar:

NM_001267550.2(TTN):c.103696T>A (p.Ser34566Thr)

Genes: TTN (titin; minus strand), TTN-AS1 (TTN antisense RNA 1; plus strand). Cytogenetic location: 2q31.2.
Variant type: single nucleotide variant.
Coding change: c.103696T>A on transcript NM_001267550.2 (MANE Select); coding-DNA position 103696, T replaced by A.
Protein change: p.Ser34566Thr; replaces serine 34566 with threonine.
Molecular consequence: missense variant.
Genome position (GRCh38, 1-based): chr2:178,532,919, A>T on the plus strand (T>A on the coding strand, the complement: TTN is on the minus strand). VCF-style: chr2-178532919-A-T. GRCh37 (hg19) VCF-style: chr2-179397646-A-T.
Other names: c.98773T>A, p.Ser32925Thr (NM_001256850.1); c.76501T>A, p.Ser25501Thr (NM_003319.4); c.95992T>A, p.Ser31998Thr (NM_133378.4); c.76876T>A, p.Ser25626Thr (NM_133432.3); c.77077T>A, p.Ser25693Thr (NM_133437.4); short protein forms S25501T, S25626T, S25693T, S31998T, S32925T, S34566T.
Identifiers: ClinVar variation 2949415 (VCV002949415.3), dbSNP rs556060586, ClinGen allele CA349413712.

ClinVar aggregate classification (germline): Uncertain significance (1 of 4 stars; one submission).

Conditions:
Dilated cardiomyopathy 1G (CMD1G). Identifiers: Orphanet 154, MedGen C1858763, MONDO:0011400, OMIM 604145.
Autosomal recessive limb-girdle muscular dystrophy type 2J (LGMDR10). Also called: Limb-girdle muscular dystrophy, type 2J; MUSCULAR DYSTROPHY, LIMB-GIRDLE, AUTOSOMAL RECESSIVE 10. Identifiers: Orphanet 140922, MedGen C1837342, MONDO:0012127, OMIM 608807.

Submission:

Labcorp Genetics (formerly Invitae), Labcorp
Classification: Uncertain significance for Dilated cardiomyopathy 1G; Autosomal recessive limb-girdle muscular dystrophy type 2J. Last evaluated: 2023-06-28. Review status: criteria provided, single submitter. Criteria: Invitae Variant Classification Sherloc (09022015). Collection method: clinical testing. Allele origin: germline.
Comment: This variant is located in the M band of TTN (PMID: 25589632). Variants in this region may be relevant for neuromuscular disorders, but have not been definitively shown to cause cardiomyopathy (PMID: 23975875). In summary, the available evidence is currently insufficient to determine the role of this variant in disease. Therefore, it has been classified as a Variant of Uncertain Significance. Experimental studies and prediction algorithms are not available or were not evaluated, and the functional significance of this variant is currently unknown. This variant has not been reported in the literature in individuals affected with TTN-related conditions. This variant is not present in population databases (gnomAD no frequency). This sequence change replaces serine, which is neutral and polar, with threonine, which is neutral and polar, at codon 34566 of the TTN protein (p.Ser34566Thr).

Literature cited by the submitters: PubMed 25589632; PubMed 23975875.